The following is an entry in ClinVar:

NM_001110556.2(FLNA):c.959T>G (p.Val320Gly)

Gene: FLNA (filamin A; minus strand). Cytogenetic location: Xq28.
Variant type: single nucleotide variant.
Coding change: c.959T>G on transcript NM_001110556.2 (MANE Select); coding-DNA position 959, T replaced by G.
Protein change: p.Val320Gly; replaces valine 320 with glycine.
Molecular consequence: missense variant.
Genome position (GRCh38, 1-based): chrX:154,366,760, A>C on the plus strand (T>G on the coding strand, the complement: FLNA is on the minus strand). VCF-style: chrX-154366760-A-C. GRCh37 (hg19) VCF-style: chrX-153595128-A-C.
Other names: c.959T>G, p.Val320Gly (NM_001456.4); short protein forms V320G.
Identifiers: ClinVar variation 574838 (VCV000574838.10), dbSNP rs1064816, ClinGen allele CA415247599.

ClinVar aggregate classification (germline): Uncertain significance (1 of 4 stars; one submission).

Conditions:
Heterotopia, periventricular, X-linked dominant (PVNH1). Also called: PERIVENTRICULAR NODULAR HETEROTOPIA 4; HETEROTOPIA, PERIVENTRICULAR, 1; PERIVENTRICULAR NODULAR HETEROTOPIA 1; X-linked periventricular heterotopia. Identifiers: Orphanet 2149, Orphanet 82004, MedGen C1848213, MONDO:0010233, OMIM 300049.
Melnick-Needles syndrome (MNS). Also called: Melnick-Needles Syndrome (FLNA-MNS); MELNICK-NEEDLES OSTEODYSPLASTY; OSTEODYSPLASTY OF MELNICK AND NEEDLES. Identifiers: Orphanet 2484, MedGen C0025237, MONDO:0010650, OMIM 309350.
Frontometaphyseal dysplasia (FMD1). Identifiers: Orphanet 1826, MedGen C0265293, MONDO:0015942.
Oto-palato-digital syndrome, type II (OPD2). Also called: Otopalatodigital Syndrome Type 2 (FLNA-OPD2); Otopalatodigital Syndrome, Type II; FACIOPALATOOSSEOUS SYNDROME; OPD II SYNDROME. Identifiers: Orphanet 669, Orphanet 90652, MedGen C1844696, MONDO:0010571, OMIM 304120.

Submission:

Labcorp Genetics (formerly Invitae), Labcorp
Classification: Uncertain significance for Oto-palato-digital syndrome, type II; Heterotopia, periventricular, X-linked dominant; Frontometaphyseal dysplasia; Melnick-Needles syndrome. Last evaluated: 2018-01-31. Review status: criteria provided, single submitter. Criteria: Invitae Variant Classification Sherloc (09022015). Collection method: clinical testing. Allele origin: germline.
Comment: In summary, the available evidence is currently insufficient to determine the role of this variant in disease. Therefore, it has been classified as a Variant of Uncertain Significance. Algorithms developed to predict the effect of missense changes on protein structure and function (SIFT, PolyPhen-2, Align-GVGD) all suggest that this variant is likely to be disruptive, but these predictions have not been confirmed by published functional studies and their clinical significance is uncertain. This variant has not been reported in the literature in individuals with FLNA-related disease. This variant is not present in population databases (ExAC no frequency). This sequence change replaces valine with glycine at codon 320 of the FLNA protein (p.Val320Gly). The valine residue is highly conserved and there is a moderate physicochemical difference between valine and glycine.